The following is an entry in ClinVar:

NM_031433.4(MFRP):c.566T>C (p.Leu189Pro)

Genes: C1QTNF5 (C1q and TNF related 5; minus strand), MFRP (membrane frizzled-related protein; minus strand). Cytogenetic location: 11q23.3.
Variant type: single nucleotide variant.
Coding change: c.566T>C on transcript NM_031433.4 (MANE Select); coding-DNA position 566, T replaced by C.
Protein change: p.Leu189Pro; replaces leucine 189 with proline.
Molecular consequence: missense variant. On other transcripts: 5 prime UTR variant (1).
Genome position (GRCh38, 1-based): chr11:119,345,495, A>G on the plus strand (T>C on the coding strand, the complement: MFRP is on the minus strand). VCF-style: chr11-119345495-A-G. GRCh37 (hg19) VCF-style: chr11-119216205-A-G.
Other names: c.-2071T>C (NM_015645.5); short protein forms L189P.
Identifiers: ClinVar variation 1362795 (VCV001362795.9), dbSNP rs2135373384, ClinGen allele CA382978123.

ClinVar aggregate classification (germline): Uncertain significance (1 of 4 stars; one submission).

Conditions:
Isolated microphthalmia 5. Also called: Posterior Microphthalmia with Retinitis Pigmentosa, Foveoschisis, and Optic Disc Drusen. Identifiers: Orphanet 251279, MedGen C1970236, MONDO:0012605, OMIM 611040.

Allele frequency attached by ClinVar (database versions not stated): gnomAD exomes below 0.00001.
gnomAD v4.1: 4 of 1,614,088 alleles (0.00025%); highest among the groups gnomAD compares: Non-Finnish European, 0.00034%; no homozygotes.

Submission:

Labcorp Genetics (formerly Invitae), Labcorp
Classification: Uncertain significance for Isolated microphthalmia 5. Last evaluated: 2022-02-05. Review status: criteria provided, single submitter. Criteria: Invitae Variant Classification Sherloc (09022015). Collection method: clinical testing. Allele origin: germline.
Comment: In summary, the available evidence is currently insufficient to determine the role of this variant in disease. Therefore, it has been classified as a Variant of Uncertain Significance. Algorithms developed to predict the effect of missense changes on protein structure and function (SIFT, PolyPhen-2, Align-GVGD) all suggest that this variant is likely to be disruptive. This variant has not been reported in the literature in individuals affected with MFRP-related conditions. This variant is not present in population databases (gnomAD no frequency). This sequence change replaces leucine, which is neutral and non-polar, with proline, which is neutral and non-polar, at codon 189 of the MFRP protein (p.Leu189Pro).